The following is an entry in ClinVar:

NM_001013838.3(CARMIL2):c.3186A>C (p.Glu1062Asp)

Gene: CARMIL2 (capping protein regulator and myosin 1 linker 2; plus strand). Cytogenetic location: 16q22.1.
Variant type: single nucleotide variant.
Coding change: c.3186A>C on transcript NM_001013838.3 (MANE Select); coding-DNA position 3186, A replaced by C.
Protein change: p.Glu1062Asp; replaces glutamic acid 1062 with aspartic acid.
Molecular consequence: missense variant.
Genome position (GRCh38, 1-based): chr16:67,654,214, A>C. VCF-style: chr16-67654214-A-C. GRCh37 (hg19) VCF-style: chr16-67688117-A-C.
Other names: c.3078A>C, p.Glu1026Asp (NM_001317026.3); short protein forms E1026D, E1062D.
Identifiers: ClinVar variation 1420004 (VCV001420004.6), dbSNP rs770419787, ClinGen allele CA8113962.

ClinVar aggregate classification (germline): Uncertain significance. Review status: criteria provided, multiple submitters, no conflicts (2 of 4 stars). 2 submissions from 2 submitters: Uncertain significance (2). Last evaluated 2024-10-17.

Allele frequency attached by ClinVar (database versions not stated): TOPMed 0.00006; gnomAD 0.00010 and 0.00012; gnomAD exomes 0.00015; ExAC 0.00059.
gnomAD v4.1: 153 of 1,567,370 alleles (0.0098%); highest among the groups gnomAD compares: Non-Finnish European, 0.0056%; no homozygotes.

Submissions (2):

Labcorp Genetics (formerly Invitae), Labcorp
Classification: Uncertain significance. Last evaluated: 2024-10-17. Review status: criteria provided, single submitter. Criteria: Invitae Variant Classification Sherloc (09022015). Collection method: clinical testing. Allele origin: germline.
Comment: This sequence change replaces glutamic acid, which is acidic and polar, with aspartic acid, which is acidic and polar, at codon 1062 of the CARMIL2 protein (p.Glu1062Asp). This variant is present in population databases (rs770419787, gnomAD 0.06%). This variant has not been reported in the literature in individuals affected with CARMIL2-related conditions. ClinVar contains an entry for this variant (Variation ID: 1420004). Invitae Evidence Modeling of protein sequence and biophysical properties (such as structural, functional, and spatial information, amino acid conservation, physicochemical variation, residue mobility, and thermodynamic stability) indicates that this missense variant is not expected to disrupt CARMIL2 protein function with a negative predictive value of 80%. In summary, the available evidence is currently insufficient to determine the role of this variant in disease. Therefore, it has been classified as a Variant of Uncertain Significance.

Blueprint Genetics
Classification: Uncertain significance. Last evaluated: 2024-06-07. Review status: criteria provided, single submitter. Criteria: ACMG Guidelines, 2015. Collection method: clinical testing. Allele origin: germline.